The following is an entry in ClinVar:

ClinVar aggregate classification (germline): Uncertain significance. Review status: reviewed by expert panel (3 of 4 stars). 2 submissions from 2 submitters: Uncertain significance (1). 1 of the submissions does not count toward it. Last evaluated 2024-09-05.

Conditions:
Hereditary thrombocytopenia and hematologic cancer predisposition syndrome. Identifiers: Orphanet 71290, MedGen CN281654, MONDO:0011071.
Hereditary thrombocytopenia and hematological cancer predisposition syndrome associated with RUNX1. Also called: Familial Platelet Disorder with Propensity to Acute Myelogenous Leukemia; Familial thrombocytopenia with propensity to acute myelogenous leukemia; PLATELET DISORDER, ASPIRIN-LIKE; RUNX1 Familial Platelet Disorder with Associated Myeloid Malignancies. Identifiers: Orphanet 71290, MedGen C1832388, MeSH C563324, MONDO:0100083, OMIM 601399.

Allele frequency attached by ClinVar (database versions not stated): ExAC 0.00002.
gnomAD v4.1: 10 of 1,597,730 alleles (0.00063%); highest among the groups gnomAD compares: South Asian, 0.0011%; no homozygotes.

Submissions (2):

ClinGen Myeloid Malignancy Variant Curation Expert Panel
Classification: Uncertain significance for Hereditary thrombocytopenia and hematologic cancer predisposition syndrome. Last evaluated: 2024-09-05. Review status: reviewed by expert panel. Criteria: ClinGen MyeloMalig ACMG Specifications v2. Collection method: curation. Allele origin: germline. Inheritance: Autosomal dominant inheritance.
Comment: NM_001754.5(RUNX1):c.509-13C>T is an intronic variant which is not predicted to impact splicing (Splice AI score <0.20) (BP4). However, this nucleotide is conserved therefore BP7 is not applied. In summary, the clinical significance of this variant is uncertain. ACMG/AMP criteria applied, as specified by the Myeloid Malignancy Variant Curation Expert Panel for RUNX1: BP4.

Labcorp Genetics (formerly Invitae), Labcorp
Classification: Likely benign for Hereditary thrombocytopenia and hematological cancer predisposition syndrome associated with RUNX1. Last evaluated: 2023-10-16. Review status: criteria provided, single submitter. Criteria: Invitae Variant Classification Sherloc (09022015). Collection method: clinical testing. Allele origin: germline. Not counted in ClinVar's aggregate classification.

NM_001754.5(RUNX1):c.509-13C>T

Genes: RUNX1 (RUNX family transcription factor 1; minus strand), RUNX1-AS1 (RUNX1 antisense RNA 1; plus strand). Cytogenetic location: 21q22.12.
Variant type: single nucleotide variant.
Coding change: c.509-13C>T on transcript NM_001754.5 (MANE Select); 13 bases into the intron before coding-DNA position 509, C replaced by T.
Molecular consequence: intron variant.
Genome position (GRCh38, 1-based): chr21:34,859,591, G>A on the plus strand (C>T on the coding strand, the complement: RUNX1 is on the minus strand). VCF-style: chr21-34859591-G-A. GRCh37 (hg19) VCF-style: chr21-36231888-G-A.
Other names: c.428-13C>T (NM_001001890.3, NM_001122607.2).
Identifiers: ClinVar variation 2042433 (VCV002042433.5), dbSNP rs774080007, ClinGen allele CA10014482.